The following is an entry in ClinVar:

NM_001211.6(BUB1B):c.664C>A (p.Pro222Thr)

Gene: BUB1B (BUB1 mitotic checkpoint serine/threonine kinase B; plus strand). Cytogenetic location: 15q15.1.
Variant type: single nucleotide variant.
Coding change: c.664C>A on transcript NM_001211.6 (MANE Select); coding-DNA position 664, C replaced by A.
Protein change: p.Pro222Thr; replaces proline 222 with threonine.
Molecular consequence: missense variant.
Genome position (GRCh38, 1-based): chr15:40,183,796, C>A. VCF-style: chr15-40183796-C-A. GRCh37 (hg19) VCF-style: chr15-40475997-C-A.
Other names: short protein forms P222T.
Identifiers: ClinVar variation 2497658 (VCV002497658.2), dbSNP rs2542533470, ClinGen allele CA391683347.
Genomic context (GRCh38, chr15:40,183,796, plus strand): 5'-CGGCAAACTCTGTTGGCACTTGAGAAAGAAGAAGAGGAGGAAGTTTTTGAGTCTTCTGTA[C>A]CACAACGAAGCACACTAGCTGAACTAAAGAGCAAAGGGAAAAAGACAGCAAGAGCTCCAA-3'
Protein context (NP_001202.5, residues 212-232): EEEEVFESSV[Pro222Thr]QRSTLAELKS

ClinVar aggregate classification (germline): Uncertain significance (1 of 4 stars; one submission).

Conditions:
Inborn genetic diseases. Identifiers: MedGen C0950123, MeSH D030342.

Submission:

Ambry Genetics
Classification: Uncertain significance for Inborn genetic diseases. Last evaluated: 2022-11-10. Review status: criteria provided, single submitter. Criteria: Ambry Variant Classification Scheme 2023. Collection method: clinical testing. Allele origin: germline.
Comment: The p.P222T variant (also known as c.664C>A), located in coding exon 6 of the BUB1B gene, results from a C to A substitution at nucleotide position 664. The proline at codon 222 is replaced by threonine, an amino acid with highly similar properties. This amino acid position is conserved. In addition, this alteration is predicted to be tolerated by in silico analysis. Since supporting evidence is limited at this time, the clinical significance of this alteration remains unclear.